The following is an entry in ClinVar:

ClinVar aggregate classification (germline): Benign/Likely benign. Review status: criteria provided, multiple submitters, no conflicts (2 of 4 stars). 8 submissions from 8 submitters: Benign (2); Likely benign (4). 2 of the submissions do not count toward it. Last evaluated 2026-01-26.

Conditions:
Glycogen storage disease IXa1. Also called: GLYCOGEN STORAGE DISEASE VIII; GSD VIII; Glycogen storage disease 8; LIVER GLYCOGENOSIS, X-LINKED, TYPE I. Identifiers: Orphanet 264580, MedGen C3694531, MONDO:0010598, OMIM 306000.

Allele frequency attached by ClinVar (database versions not stated): 1000 Genomes Project 0.00026; 1000 Genomes Project 30x 0.00042; TOPMed 0.00156; ESP Exome Variant Server 0.00170; gnomAD exomes 0.00207; ExAC 0.00237.
gnomAD v4.1: 2,907 of 1,198,346 alleles (0.24%); highest among the groups gnomAD compares: Non-Finnish European, 0.28%; no homozygotes.

Submissions (8):

Labcorp Genetics (formerly Invitae), Labcorp
Classification: Benign for Glycogen storage disease IXa1. Last evaluated: 2026-01-26. Review status: criteria provided, single submitter. Criteria: Invitae Variant Classification Sherloc (09022015). Collection method: clinical testing. Allele origin: germline.

Blueprint Genetics
Classification: Likely benign. Last evaluated: 2024-11-28. Review status: criteria provided, single submitter. Criteria: ACMG Guidelines, 2015. Collection method: clinical testing. Allele origin: germline.

Mayo Clinic Laboratories, Mayo Clinic
Classification: Benign. Last evaluated: 2023-12-18. Review status: criteria provided, single submitter. Criteria: ACMG Guidelines, 2015. Collection method: clinical testing. Allele origin: germline. Observed: 2 variant alleles.
Comment: BS1, BS2, BP4, BP7

ARUP Laboratories, Molecular Genetics and Genomics, ARUP Laboratories
Classification: Likely benign. Last evaluated: 2023-08-08. Review status: criteria provided, single submitter. Criteria: ARUP Molecular Germline Variant Investigation Process 2024. Collection method: clinical testing. Allele origin: germline.

CeGaT Center for Human Genetics Tuebingen
Classification: Likely benign. Last evaluated: 2017-11-01. Review status: criteria provided, single submitter. Criteria: CeGaT Center For Human Genetics Tuebingen Variant Classification Criteria Version 2. Collection method: clinical testing. Allele origin: germline. Affected: yes. Observed: 1 variant allele.

GeneDx
Classification: Likely benign. Last evaluated: 2017-11-01. Review status: criteria provided, single submitter. Criteria: GeneDx Variant Classification (06012015). Collection method: clinical testing. Allele origin: germline. Affected: yes.
Comment: This variant is considered likely benign or benign based on one or more of the following criteria: it is a conservative change, it occurs at a poorly conserved position in the protein, it is predicted to be benign by multiple in silico algorithms, and/or has population frequency not consistent with disease.

Clinical Genetics DNA and cytogenetics Diagnostics Lab, Erasmus MC, Erasmus Medical Center
Classification: Likely benign. Review status: no assertion criteria provided. Collection method: clinical testing. Allele origin: germline. Affected: yes. Study: VKGL Data-share Consensus. Not counted in ClinVar's aggregate classification.

Diagnostic Laboratory, Department of Genetics, University Medical Center Groningen
Classification: Likely benign for Glycogen storage disease IXa1. Review status: no assertion criteria provided. Collection method: clinical testing. Allele origin: germline. Affected: yes. Study: VKGL Data-share Consensus. Not counted in ClinVar's aggregate classification.

NM_000292.3(PHKA2):c.1398G>A (p.Ala466=)

Gene: PHKA2 (phosphorylase kinase regulatory subunit alpha 2; minus strand). Cytogenetic location: Xp22.13.
Variant type: single nucleotide variant.
Coding change: c.1398G>A on transcript NM_000292.3 (MANE Select); coding-DNA position 1398, G replaced by A.
Protein change: p.Ala466=; no amino-acid change (alanine 466 retained).
Molecular consequence: synonymous variant.
Genome position (GRCh38, 1-based): chrX:18,926,514, C>T on the plus strand (G>A on the coding strand, the complement: PHKA2 is on the minus strand). VCF-style: chrX-18926514-C-T. GRCh37 (hg19) VCF-style: chrX-18944632-C-T.
Other names: p.Ala466=.
Identifiers: ClinVar variation 390283 (VCV000390283.53), dbSNP rs146631734, ClinGen allele CA10361901.